The following is an entry in ClinVar:

ClinVar aggregate classification (germline): Uncertain significance (1 of 4 stars; one submission).

Conditions:
Bailey-Bloch congenital myopathy (CMYO13). Also called: Congenital myopathy 13; Native American myopathy; STAC3 disorder. Identifiers: Orphanet 168572, MedGen C1850625, MONDO:0009722, OMIM 255995.

Allele frequency attached by ClinVar (database versions not stated): TOPMed 0.00001.
gnomAD v4.1: 41 of 1,614,050 alleles (0.0025%); highest among the groups gnomAD compares: Non-Finnish European, 0.0033%; no homozygotes.

Submission:

Labcorp Genetics (formerly Invitae), Labcorp
Classification: Uncertain significance for Bailey-Bloch congenital myopathy. Last evaluated: 2023-05-08. Review status: criteria provided, single submitter. Criteria: Invitae Variant Classification Sherloc (09022015). Collection method: clinical testing. Allele origin: germline.
Comment: This variant has not been reported in the literature in individuals affected with STAC3-related conditions. This sequence change replaces glycine, which is neutral and non-polar, with alanine, which is neutral and non-polar, at codon 57 of the STAC3 protein (p.Gly57Ala). This variant is not present in population databases (gnomAD no frequency). ClinVar contains an entry for this variant (Variation ID: 839242). Advanced modeling of protein sequence and biophysical properties (such as structural, functional, and spatial information, amino acid conservation, physicochemical variation, residue mobility, and thermodynamic stability) performed at Invitae indicates that this missense variant is not expected to disrupt STAC3 protein function. In summary, the available evidence is currently insufficient to determine the role of this variant in disease. Therefore, it has been classified as a Variant of Uncertain Significance.

NM_145064.3(STAC3):c.170G>C (p.Gly57Ala)

Gene: STAC3 (SH3 and cysteine rich domain 3; minus strand). Cytogenetic location: 12q13.3.
Variant type: single nucleotide variant.
Coding change: c.170G>C on transcript NM_145064.3 (MANE Select); coding-DNA position 170, G replaced by C.
Protein change: p.Gly57Ala; replaces glycine 57 with alanine.
Molecular consequence: missense variant. On other transcripts: intron variant (1).
Genome position (GRCh38, 1-based): chr12:57,249,205, C>G on the plus strand (G>C on the coding strand, the complement: STAC3 is on the minus strand). VCF-style: chr12-57249205-C-G. GRCh37 (hg19) VCF-style: chr12-57642988-C-G.
Other names: c.53G>C, p.Gly18Ala (NM_001286256.2); c.-126-1007G>C (NM_001286257.2); short protein forms G18A, G57A.
Identifiers: ClinVar variation 839242 (VCV000839242.9), dbSNP rs1027548586, ClinGen allele CA385417578.